The following is an entry in ClinVar:

NC_000002.11:g.(?_198351760)_(198363582_?)dup

Gene: HSPD1 (heat shock protein family D (Hsp60) member 1; minus strand). Cytogenetic location: 2q33.1.
Variant type: Duplication.
Identifiers: ClinVar variation 999465 (VCV000999465.2).

ClinVar aggregate classification (germline): Uncertain significance (1 of 4 stars; one submission).

Conditions:
Spastic paraplegia. Identifiers: MedGen C0037772, HP:0001258.

Submission:

Labcorp Genetics (formerly Invitae), Labcorp
Classification: Uncertain significance for Spastic paraplegia. Last evaluated: 2022-09-12. Review status: criteria provided, single submitter. Criteria: Invitae Variant Classification Sherloc (09022015). Collection method: clinical testing. Allele origin: germline.
Comment: A copy number gain of the genomic region encompassing the full coding sequence of the HSPD1 gene has been identified. The boundaries of this event are unknown as they extend beyond the assayed region for this gene and therefore may encompass additional genes. As the precise location of this event is unknown, it may be in tandem or it may be located elsewhere in the genome. This variant has not been reported in the literature in individuals affected with HSPD1-related conditions. Experimental studies and prediction algorithms are not available or were not evaluated, and the functional significance of this variant is currently unknown. In summary, the available evidence is currently insufficient to determine the role of this variant in disease. Therefore, it has been classified as a Variant of Uncertain Significance.